The following is an entry in ClinVar:

NM_014712.3(SETD1A):c.2707A>G (p.Ile903Val)

Gene: SETD1A (SET domain containing 1A, histone lysine methyltransferase; plus strand). Cytogenetic location: 16p11.2.
Variant type: single nucleotide variant.
Coding change: c.2707A>G on transcript NM_014712.3 (MANE Select); coding-DNA position 2707, A replaced by G.
Protein change: p.Ile903Val; replaces isoleucine 903 with valine.
Molecular consequence: missense variant.
Genome position (GRCh38, 1-based): chr16:30,967,525, A>G. VCF-style: chr16-30967525-A-G. GRCh37 (hg19) VCF-style: chr16-30978846-A-G.
Other names: short protein forms I903V.
Identifiers: ClinVar variation 5010057 (VCV005010057.1).

ClinVar aggregate classification (germline): Uncertain significance (1 of 4 stars; one submission).

Submission:

GeneDx
Classification: Uncertain significance. Last evaluated: 2026-02-24. Review status: criteria provided, single submitter. Criteria: GeneDx Variant Classification Process June 2021. Collection method: clinical testing. Allele origin: germline.
Comment: Not observed at significant frequency in large population cohorts (gnomAD); In silico analysis suggests that this missense variant does not alter protein structure/function; Has not been previously published as pathogenic or benign to our knowledge